The following is an entry in ClinVar:

ClinVar aggregate classification (germline): Pathogenic. Review status: criteria provided, multiple submitters, no conflicts (2 of 4 stars). 2 submissions from 2 submitters: Pathogenic (2). Last evaluated 2023-01-19.

Conditions:
Hereditary cancer-predisposing syndrome. Also called: Tumor predisposition; Neoplastic Syndromes, Hereditary; Hereditary neoplastic syndrome; Hereditary Cancer Syndrome. Identifiers: Orphanet 140162, MedGen C0027672, MeSH D009386, MONDO:0015356.
Familial cancer of breast. Also called: hereditary breast carcinoma; BREAST CANCER, FAMILIAL; Hereditary breast cancer. Identifiers: Orphanet 227535, MedGen C0346153, MONDO:0016419, OMIM 114480. Disease mechanism: loss of function.

Submissions (2):

Myriad Genetics, Inc.
Classification: Pathogenic for Familial cancer of breast. Last evaluated: 2023-01-19. Review status: criteria provided, single submitter. Criteria: Myriad Autosomal Dominant, Autosomal Recessive and X-Linked Classification Criteria (2023). Collection method: clinical testing. Allele origin: unknown.
Comment: This variant is considered pathogenic. This variant creates a frameshift predicted to result in premature protein truncation.

Color Diagnostics, LLC DBA Color Health
Classification: Pathogenic for Hereditary cancer-predisposing syndrome. Last evaluated: 2022-03-15. Review status: criteria provided, single submitter. Criteria: ACMG Guidelines, 2015. Collection method: clinical testing. Allele origin: germline.
Comment: This variant replaces 2 nucleotides in exon 5 of the PALB2 gene with 1 new nucleotide, creating a frameshift and premature translation stop signal. This variant is expected to result in an absent or non-functional protein product. This variant has not been reported in individuals affected with hereditary cancer in the literature. This variant has not been identified in the general population by the Genome Aggregation Database (gnomAD). Loss of PALB2 function is a known mechanism of disease. Based on the available evidence, this variant is classified as Pathogenic.

NM_024675.4(PALB2):c.2223_2224delinsG

Gene: PALB2 (partner and localizer of BRCA2; minus strand). Cytogenetic location: 16p12.2.
Variant type: Indel.
Coding change: c.2223_2224delinsG on transcript NM_024675.4 (MANE Select); coding-DNA positions 2223 to 2224, CT replaced by G.
Genome position (GRCh38, 1-based): chr16:23,629,930-23,629,931, AG replaced by C on the plus strand (CT replaced by G on the coding strand, the reverse complement: PALB2 is on the minus strand). VCF-style: chr16-23629930-AG-C. GRCh37 (hg19) VCF-style: chr16-23641251-AG-C.
Other names: c.2223_2224delinsG, p.Ser742fs (LRG_308t1).
Identifiers: ClinVar variation 630913 (VCV000630913.5), dbSNP rs1567217830, ClinGen allele CA913188745.